The following is an entry in ClinVar:

NM_001082486.2(ACD):c.266G>T (p.Arg89Leu)

Gene: ACD (ACD shelterin complex subunit and telomerase recruitment factor; minus strand). Cytogenetic location: 16q22.1.
Variant type: single nucleotide variant.
Coding change: c.266G>T on transcript NM_001082486.2 (MANE Select); coding-DNA position 266, G replaced by T.
Protein change: p.Arg89Leu; replaces arginine 89 with leucine.
Molecular consequence: missense variant.
Genome position (GRCh38, 1-based): chr16:67,659,772, C>A on the plus strand (G>T on the coding strand, the complement: ACD is on the minus strand). VCF-style: chr16-67659772-C-A. GRCh37 (hg19) VCF-style: chr16-67693675-C-A.
Other names: c.266G>T, p.Arg89Leu (NM_001410884.1); c.257G>T, p.Arg86Leu (NM_022914.3); short protein forms R86L, R89L.
Identifiers: ClinVar variation 1746352 (VCV001746352.7), dbSNP rs762580062, ClinGen allele CA8114762.

ClinVar aggregate classification (germline): Uncertain significance. Review status: criteria provided, multiple submitters, no conflicts (2 of 4 stars). 3 submissions from 3 submitters: Uncertain significance (3). Last evaluated 2025-03-04.

Conditions:
Dyskeratosis congenita, autosomal dominant 6 (DKCA6). Identifiers: Orphanet 3322, MedGen C4225284, MONDO:0014690, OMIM 616553.
Inborn genetic diseases. Identifiers: MedGen C0950123, MeSH D030342.

Allele frequency attached by ClinVar (database versions not stated): ExAC 0.00001; gnomAD exomes 0.00001; gnomAD 0.00002; TOPMed 0.00002.

Submissions (3):

Center for Genomic Medicine, Rigshospitalet, Copenhagen University Hospital
Classification: Uncertain significance. Last evaluated: 2025-03-04. Review status: criteria provided, single submitter. Criteria: ACMG Guidelines, 2015. Collection method: clinical testing. Allele origin: germline.

Labcorp Genetics (formerly Invitae), Labcorp
Classification: Uncertain significance for Dyskeratosis congenita, autosomal dominant 6. Last evaluated: 2024-11-29. Review status: criteria provided, single submitter. Criteria: Invitae Variant Classification Sherloc (09022015). Collection method: clinical testing. Allele origin: germline.
Comment: This sequence change replaces arginine, which is basic and polar, with leucine, which is neutral and non-polar, at codon 175 of the ACD protein (p.Arg175Leu). This variant is present in population databases (rs762580062, gnomAD 0.004%). This variant has not been reported in the literature in individuals affected with ACD-related conditions. ClinVar contains an entry for this variant (Variation ID: 1746352). Invitae Evidence Modeling of protein sequence and biophysical properties (such as structural, functional, and spatial information, amino acid conservation, physicochemical variation, residue mobility, and thermodynamic stability) indicates that this missense variant is expected to disrupt ACD protein function with a positive predictive value of 80%. In summary, the available evidence is currently insufficient to determine the role of this variant in disease. Therefore, it has been classified as a Variant of Uncertain Significance.

Ambry Genetics
Classification: Uncertain significance for Inborn genetic diseases. Last evaluated: 2021-10-27. Review status: criteria provided, single submitter. Criteria: Ambry Variant Classification Scheme 2023. Collection method: clinical testing. Allele origin: germline.
Comment: The p.R175L variant (also known as c.524G>T), located in coding exon 3 of the ACD gene, results from a G to T substitution at nucleotide position 524. The arginine at codon 175 is replaced by leucine, an amino acid with dissimilar properties. This amino acid position is conserved. In addition, this alteration is predicted to be tolerated by in silico analysis. Since supporting evidence is limited at this time, the clinical significance of this alteration remains unclear.